The following is an entry in ClinVar:

NM_000238.4(KCNH2):c.1870A>T (p.Ser624Cys)

Gene: KCNH2 (potassium voltage-gated channel subfamily H member 2; minus strand). Cytogenetic location: 7q36.1.
Variant type: single nucleotide variant.
Coding change: c.1870A>T on transcript NM_000238.4 (MANE Select); coding-DNA position 1870, A replaced by T.
Protein change: p.Ser624Cys; replaces serine 624 with cysteine.
Molecular consequence: missense variant.
Genome position (GRCh38, 1-based): chr7:150,951,523, T>A on the plus strand (A>T on the coding strand, the complement: KCNH2 is on the minus strand). VCF-style: chr7-150951523-T-A. GRCh37 (hg19) VCF-style: chr7-150648611-T-A.
Other names: c.850A>T, p.Ser284Cys (NM_001204798.2, NM_172057.3); c.1582A>T, p.Ser528Cys (NM_001406753.1, NM_001406756.1); c.1693A>T, p.Ser565Cys (NM_001406755.1); c.1570A>T, p.Ser524Cys (NM_001406757.1); c.1870A>T, p.Ser624Cys (NM_172056.3); short protein forms S624C, S284C, S528C, S565C, S524C.
Identifiers: ClinVar variation 644725 (VCV000644725.11), dbSNP rs1584853632, ClinGen allele CA369857917.

ClinVar aggregate classification (germline): Uncertain significance (1 of 4 stars; one submission).

Conditions:
Long QT syndrome (LQTS). Identifiers: MedGen C0023976, MeSH D008133, MONDO:0002442. Disease mechanism: loss of function. Inheritance: Various modes of inheritance.

Submission:

Labcorp Genetics (formerly Invitae), Labcorp
Classification: Uncertain significance for Long QT syndrome. Last evaluated: 2022-08-09. Review status: criteria provided, single submitter. Criteria: Invitae Variant Classification Sherloc (09022015). Collection method: clinical testing. Allele origin: germline.
Comment: ClinVar contains an entry for this variant (Variation ID: 644725). This variant has not been reported in the literature in individuals affected with KCNH2-related conditions. This variant is not present in population databases (gnomAD no frequency). This sequence change replaces serine, which is neutral and polar, with cysteine, which is neutral and slightly polar, at codon 624 of the KCNH2 protein (p.Ser624Cys). Algorithms developed to predict the effect of missense changes on protein structure and function are either unavailable or do not agree on the potential impact of this missense change (SIFT: "Deleterious"; PolyPhen-2: "Probably Damaging"; Align-GVGD: "Class C15"). In summary, the available evidence is currently insufficient to determine the role of this variant in disease. Therefore, it has been classified as a Variant of Uncertain Significance.